The following is an entry in ClinVar:

NM_001845.6(COL4A1):c.4967G>A (p.Arg1656His)

Gene: COL4A1 (collagen type IV alpha 1 chain; minus strand). Cytogenetic location: 13q34.
Variant type: single nucleotide variant.
Coding change: c.4967G>A on transcript NM_001845.6 (MANE Select); coding-DNA position 4967, G replaced by A.
Protein change: p.Arg1656His; replaces arginine 1656 with histidine.
Molecular consequence: missense variant.
Genome position (GRCh38, 1-based): chr13:110,150,406, C>T on the plus strand (G>A on the coding strand, the complement: COL4A1 is on the minus strand). VCF-style: chr13-110150406-C-T. GRCh37 (hg19) VCF-style: chr13-110802753-C-T.
Other names: c.4967G>A (NM_001845.4); short protein forms R1656H.
Identifiers: ClinVar variation 1004088 (VCV001004088.9), dbSNP rs756403856, ClinGen allele CA7046742.

ClinVar aggregate classification (germline): Uncertain significance. Review status: criteria provided, multiple submitters, no conflicts (2 of 4 stars). 3 submissions from 3 submitters: Uncertain significance (3). Last evaluated 2026-01-25.

Conditions:
Retinal arterial tortuosity. Also called: RETINAL HEMORRHAGE WITH VASCULAR TORTUOSITY; Retinal arteries, tortuosity of. Identifiers: Orphanet 75326, MedGen C0423401, MONDO:0008373, OMIM 180000, HP:0000631.
Microangiopathy and leukoencephalopathy, pontine, autosomal dominant. Also called: DEMENTIA, HEREDITARY MULTI-INFARCT, SWEDISH TYPE; Pontine autosomal dominant microangiopathy with leukoencephalopathy. Identifiers: Orphanet 477749, MedGen C5231411, MONDO:0032814, OMIM 618564.
Hemorrhage, intracerebral, susceptibility to (ICH). Also called: Stroke, hemorrhagic, susceptibility to. Identifiers: MedGen C3281105, MONDO:0100533, OMIM 614519.
Autosomal dominant familial hematuria-retinal arteriolar tortuosity-contractures syndrome. Also called: Angiopathy, hereditary, with nephropathy, aneurysms, and muscle cramps; Hereditary Angiopathy with Nephropathy, Aneurysms, and Muscle Cramps (HANAC) Syndrome. Identifiers: Orphanet 73229, MedGen C2673195, MONDO:0012726, OMIM 611773.
Brain small vessel disease 1 with or without ocular anomalies (BSVD1). Also called: PORENCEPHALY, TYPE 1, AUTOSOMAL DOMINANT; GOULD SYNDROME 1; Brain small vessel disease with or without ocular anomalies; BRAIN SMALL VESSEL DISEASE WITH HEMORRHAGE. Identifiers: Orphanet 2940, Orphanet 36383, Orphanet 99810, MedGen C4755307, MONDO:0008289, OMIM 175780.

Allele frequency attached by ClinVar (database versions not stated): gnomAD 0.00001 and 0.00002; TOPMed 0.00002; ExAC 0.00003; gnomAD exomes 0.00003.
gnomAD v4.1: 28 of 1,613,906 alleles (0.0017%); highest among the groups gnomAD compares: African/African-American, 0.0027%; no homozygotes.

Submissions (3):

Labcorp Genetics (formerly Invitae), Labcorp
Classification: Uncertain significance. Last evaluated: 2026-01-25. Review status: criteria provided, single submitter. Criteria: Invitae Variant Classification Sherloc (09022015). Collection method: clinical testing. Allele origin: germline.
Comment: This sequence change replaces arginine, which is basic and polar, with histidine, which is basic and polar, at codon 1656 of the COL4A1 protein (p.Arg1656His). This variant is present in population databases (rs756403856, gnomAD 0.007%). This variant has not been reported in the literature in individuals affected with COL4A1-related conditions. ClinVar contains an entry for this variant (Variation ID: 1004088). Invitae Evidence Modeling of protein sequence and biophysical properties (such as structural, functional, and spatial information, amino acid conservation, physicochemical variation, residue mobility, and thermodynamic stability) indicates that this missense variant is not expected to disrupt COL4A1 protein function with a negative predictive value of 95%. In summary, the available evidence is currently insufficient to determine the role of this variant in disease. Therefore, it has been classified as a Variant of Uncertain Significance.

GeneDx
Classification: Uncertain significance. Last evaluated: 2024-03-05. Review status: criteria provided, single submitter. Criteria: GeneDx Variant Classification Process June 2021. Collection method: clinical testing. Allele origin: germline. Affected: yes.
Comment: In silico analysis supports that this missense variant has a deleterious effect on protein structure/function; Has not been previously published as pathogenic or benign to our knowledge

Fulgent Genetics
Classification: Uncertain significance for Brain small vessel disease 1 with or without ocular anomalies; Retinal arterial tortuosity; Autosomal dominant familial hematuria-retinal arteriolar tortuosity-contractures syndrome; Hemorrhage, intracerebral, susceptibility to; Microangiopathy and leukoencephalopathy, pontine, autosomal dominant. Last evaluated: 2022-03-22. Review status: criteria provided, single submitter. Criteria: ACMG Guidelines, 2015. Collection method: clinical testing. Allele origin: unknown.